The following is an entry in ClinVar:

NM_001378454.1(ALMS1):c.9398C>G (p.Pro3133Arg)

Gene: ALMS1 (ALMS1 centrosome and basal body associated protein; plus strand). Cytogenetic location: 2p13.1.
Variant type: single nucleotide variant.
Coding change: c.9398C>G on transcript NM_001378454.1 (MANE Select); coding-DNA position 9398, C replaced by G.
Protein change: p.Pro3133Arg; replaces proline 3133 with arginine.
Molecular consequence: missense variant.
Genome position (GRCh38, 1-based): chr2:73,491,357, C>G. VCF-style: chr2-73491357-C-G. GRCh37 (hg19) VCF-style: chr2-73718484-C-G.
Other names: c.9401C>G, p.Pro3134Arg (NM_015120.4); short protein forms P3134R, P3133R.
Identifiers: ClinVar variation 2148442 (VCV002148442.1), dbSNP rs781743481, ClinGen allele CA1714654.

ClinVar aggregate classification (germline): Uncertain significance (1 of 4 stars; one submission).

Conditions:
Alstrom syndrome (ALMS). Identifiers: Orphanet 64, MedGen C0268425, MONDO:0008763, OMIM 203800.

Allele frequency attached by ClinVar (database versions not stated): ExAC 0.00001; gnomAD exomes 0.00001.
gnomAD v4.1: 4 of 1,614,158 alleles (0.00025%); highest among the groups gnomAD compares: Non-Finnish European, 0.00034%; no homozygotes.

Submission:

Labcorp Genetics (formerly Invitae), Labcorp
Classification: Uncertain significance for Alstrom syndrome. Last evaluated: 2022-05-06. Review status: criteria provided, single submitter. Criteria: Invitae Variant Classification Sherloc (09022015). Collection method: clinical testing. Allele origin: germline.
Comment: This sequence change replaces proline, which is neutral and non-polar, with arginine, which is basic and polar, at codon 3134 of the ALMS1 protein (p.Pro3134Arg). This variant is present in population databases (rs781743481, gnomAD 0.0009%). This variant has not been reported in the literature in individuals affected with ALMS1-related conditions. Experimental studies and prediction algorithms are not available or were not evaluated, and the functional significance of this variant is currently unknown. In summary, the available evidence is currently insufficient to determine the role of this variant in disease. Therefore, it has been classified as a Variant of Uncertain Significance.